The following is an entry in ClinVar:

NM_000284.4(PDHA1):c.927A>G (p.Glu309=)

Gene: PDHA1 (pyruvate dehydrogenase E1 subunit alpha 1; plus strand). Cytogenetic location: Xp22.12.
Variant type: single nucleotide variant.
Coding change: c.927A>G on transcript NM_000284.4 (MANE Select); coding-DNA position 927, A replaced by G.
Protein change: p.Glu309=; no amino-acid change (glutamic acid 309 retained).
Molecular consequence: synonymous variant.
Genome position (GRCh38, 1-based): chrX:19,358,943, A>G. VCF-style: chrX-19358943-A-G. GRCh37 (hg19) VCF-style: chrX-19377061-A-G.
Other names: c.1041A>G, p.Glu347= (NM_001173454.2); c.948A>G, p.Glu316= (NM_001173455.2); c.834A>G, p.Glu278= (NM_001173456.2).
Identifiers: ClinVar variation 2663237 (VCV002663237.2), dbSNP rs200088791, ClinGen allele CA515486303.

ClinVar aggregate classification (germline): Uncertain significance (1 of 4 stars; one submission).

Submission:

GeneDx
Classification: Uncertain significance. Last evaluated: 2025-05-21. Review status: criteria provided, single submitter. Criteria: GeneDx Variant Classification Process June 2021. Collection method: clinical testing. Allele origin: germline.
Comment: Not observed at significant frequency in large population cohorts (gnomAD); In silico analysis supports a deleterious effect on splicing; Has not been previously published as pathogenic or benign to our knowledge